The following is an entry in ClinVar:

ClinVar aggregate classification (germline): Pathogenic/Likely pathogenic. Review status: criteria provided, multiple submitters, no conflicts (2 of 4 stars). 2 submissions from 2 submitters: Pathogenic (1); Likely pathogenic (1). Last evaluated 2025-07-27.

Conditions:
Arthrogryposis multiplex congenita 6. Identifiers: MedGen C5543431, MONDO:0030281, OMIM 619334.
Nemaline myopathy 2 (NEM2). Also called: Nemaline myopathy 2, autosomal recessive. Identifiers: MedGen C1850569, MONDO:0009725, OMIM 256030.

Submissions (2):

Myriad Genetics, Inc.
Classification: Pathogenic for Nemaline myopathy 2. Last evaluated: 2025-07-27. Review status: criteria provided, single submitter. Criteria: Myriad Autosomal Dominant, Autosomal Recessive and X-Linked Classification Criteria (2023). Collection method: clinical testing. Allele origin: unknown.
Comment: NM_001271208.1(NEB):c.2772C>G(Y924*) is expected to be pathogenic in the context of NEB-related nemaline myopathy. This variant is predicted to lead to an abnormal or absent protein product due to the creation of a premature termination codon in NEB, a gene where loss-of-function variants are known to be pathogenic. Please note: this variant was assessed in the context of healthy population screening.

Baylor Genetics
Classification: Likely pathogenic for Arthrogryposis multiplex congenita 6. Last evaluated: 2024-03-03. Review status: criteria provided, single submitter. Criteria: ACMG Guidelines, 2015. Collection method: clinical testing. Allele origin: unknown.

NM_001164508.2(NEB):c.2772C>G (p.Tyr924Ter)

Gene: NEB (nebulin; minus strand). Cytogenetic location: 2q23.3.
Variant type: single nucleotide variant.
Coding change: c.2772C>G on transcript NM_001164508.2 (MANE Select); coding-DNA position 2772, C replaced by G.
Protein change: p.Tyr924Ter; replaces tyrosine 924 with a stop codon.
Molecular consequence: nonsense.
Genome position (GRCh38, 1-based): chr2:151,684,841, G>C on the plus strand (C>G on the coding strand, the complement: NEB is on the minus strand). VCF-style: chr2-151684841-G-C. GRCh37 (hg19) VCF-style: chr2-152541355-G-C.
Other names: c.2772C>G, p.Tyr924Ter (NM_001271208.2, NM_004543.5, NM_001164507.2); short protein forms Y924*.
Identifiers: ClinVar variation 3239865 (VCV003239865.2), dbSNP rs1466946196.